The following is an entry in ClinVar:

NM_020366.4(RPGRIP1):c.1628T>C (p.Met543Thr)

Gene: RPGRIP1 (RPGR interacting protein 1; plus strand). Cytogenetic location: 14q11.2.
Variant type: single nucleotide variant.
Coding change: c.1628T>C on transcript NM_020366.4 (MANE Select); coding-DNA position 1628, T replaced by C.
Protein change: p.Met543Thr; replaces methionine 543 with threonine.
Molecular consequence: missense variant.
Genome position (GRCh38, 1-based): chr14:21,321,870, T>C. VCF-style: chr14-21321870-T-C. GRCh37 (hg19) VCF-style: chr14-21790029-T-C.
Other names: c.554T>C, p.Met185Thr (NM_001377523.1, NM_001377948.1, NM_001377949.1 and 1 more transcripts); c.56T>C, p.Met19Thr (NM_001377951.1); short protein forms M185T, M19T, M543T.
Identifiers: ClinVar variation 1687483 (VCV001687483.1), dbSNP rs1007825048, ClinGen allele CA257535769.

ClinVar aggregate classification (germline): Uncertain significance (1 of 4 stars; one submission).

Conditions:
Cone-rod dystrophy 13 (CORD13). Identifiers: Orphanet 1872, MedGen C2750720, MONDO:0011987, OMIM 608194.

Allele frequency attached by ClinVar (database versions not stated): gnomAD 0.00001.
gnomAD v4.1: 1 of 1,612,372 alleles (0.000062%); no homozygotes.

Submission:

3billion
Classification: Uncertain significance for Cone-rod dystrophy 13. Last evaluated: 2022-05-22. Review status: criteria provided, single submitter. Criteria: ACMG Guidelines, 2015. Collection method: clinical testing. Allele origin: germline. Affected: yes. Observed: 1 heterozygote.
Comment: The variant is observed at an extremely low frequency in the gnomAD v2.1.1 dataset (total allele frequency: 0.003%). Protein truncation variants are a common disease-causing mechanism. Therefore, this variant is classified as uncertain significanceaccording to the recommendation of ACMG/AMP guideline.